The following is an entry in ClinVar:

ClinVar aggregate classification (germline): Likely pathogenic (1 of 4 stars; one submission).

Conditions:
Basal ganglia calcification, idiopathic, 7, autosomal recessive. Also called: PRIMARY FAMILIAL BRAIN CALCIFICATION 7, AUTOSOMAL RECESSIVE. Identifiers: MedGen C5193025, MONDO:0032673, OMIM 618317.

Submission:

SIB Swiss Institute of Bioinformatics
Classification: Likely pathogenic for Basal ganglia calcification, idiopathic, 7, autosomal recessive. Last evaluated: 2019-06-13. Review status: criteria provided, single submitter. Criteria: ACMG Guidelines, 2015. Collection method: curation. Allele origin: unknown.
Comment: This variant is interpreted as a Likely pathogenic for Basal ganglia calcification, idiopathic, 7, autosomal recessive. The following ACMG Tag(s) were applied: PM2, PVS1-Strong.

Literature cited by the submitters: PubMed 30589467.

NM_020702.5(MYORG):c.1431C>A (p.Tyr477Ter)

Gene: MYORG (myogenesis regulating glycosidase; minus strand). Cytogenetic location: 9p13.3.
Variant type: single nucleotide variant.
Coding change: c.1431C>A on transcript NM_020702.5 (MANE Select); coding-DNA position 1431, C replaced by A.
Protein change: p.Tyr477Ter; replaces tyrosine 477 with a stop codon.
Molecular consequence: nonsense.
Genome position (GRCh38, 1-based): chr9:34,371,513, G>T on the plus strand (C>A on the coding strand, the complement: MYORG is on the minus strand). VCF-style: chr9-34371513-G-T. GRCh37 (hg19) VCF-style: chr9-34371511-G-T.
Other names: short protein forms Y477*.
Identifiers: ClinVar variation 692171 (VCV000692171.1), dbSNP rs1588003652, ClinGen allele CA373241317.